The following is an entry in ClinVar:

ClinVar aggregate classification (germline): Uncertain significance (1 of 4 stars; one submission).

Conditions:
Ehlers-Danlos syndrome, classic type, 1 (EDSCL1). Also called: Ehlers-Danlos Syndrome, Classic Type, COL5A1-Related; EHLERS-DANLOS SYNDROME, GRAVIS TYPE; EHLERS-DANLOS SYNDROME, SEVERE CLASSIC TYPE; Ehlers-Danlos syndrome, type 1; EDS I. Identifiers: MedGen C0268335, MONDO:0019567, OMIM 130000.
Osteogenesis imperfecta type I (OI1). Also called: OI, TYPE I; OSTEOGENESIS IMPERFECTA TARDA; OSTEOGENESIS IMPERFECTA WITH BLUE SCLERAE; Osteogenesis imperfecta type 1; Classic Non-deforming Osteogenesis Imperfecta with Blue Sclerae; Lobstein's Disease. Identifiers: Orphanet 216796, Orphanet 666, MedGen C0023931, MONDO:0008146, OMIM 166200. Disease mechanism: loss of function.

Submission:

Labcorp Genetics (formerly Invitae), Labcorp
Classification: Uncertain significance for Osteogenesis imperfecta type I; Ehlers-Danlos syndrome, classic type, 1. Last evaluated: 2022-03-04. Review status: criteria provided, single submitter. Criteria: Invitae Variant Classification Sherloc (09022015). Collection method: clinical testing. Allele origin: germline.
Comment: This variant has not been reported in the literature in individuals affected with COL1A2-related conditions. Advanced modeling of protein sequence and biophysical properties (such as structural, functional, and spatial information, amino acid conservation, physicochemical variation, residue mobility, and thermodynamic stability) performed at Invitae indicates that this missense variant is not expected to disrupt COL1A2 protein function. In summary, the available evidence is currently insufficient to determine the role of this variant in disease. Therefore, it has been classified as a Variant of Uncertain Significance. This variant is not present in population databases (gnomAD no frequency). This sequence change replaces aspartic acid, which is acidic and polar, with glutamic acid, which is acidic and polar, at codon 53 of the COL1A2 protein (p.Asp53Glu).

NM_000089.4(COL1A2):c.159T>A (p.Asp53Glu)

Gene: COL1A2 (collagen type I alpha 2 chain; plus strand). Cytogenetic location: 7q21.3.
Variant type: single nucleotide variant.
Coding change: c.159T>A on transcript NM_000089.4 (MANE Select); coding-DNA position 159, T replaced by A.
Protein change: p.Asp53Glu; replaces aspartic acid 53 with glutamic acid.
Molecular consequence: missense variant.
Genome position (GRCh38, 1-based): chr7:94,400,222, T>A. VCF-style: chr7-94400222-T-A. GRCh37 (hg19) VCF-style: chr7-94029534-T-A.
Other names: short protein forms D53E.
Identifiers: ClinVar variation 2145397 (VCV002145397.4), dbSNP rs201699348, ClinGen allele CA368219151.